The following is an entry in ClinVar:

ClinVar aggregate classification (germline): Likely benign. Review status: criteria provided, multiple submitters, no conflicts (2 of 4 stars). 3 submissions from 3 submitters: Likely benign (3). Last evaluated 2022-11-01.

Allele frequency attached by ClinVar (database versions not stated): 1000 Genomes Project 0.00260; 1000 Genomes Project 30x 0.00312; gnomAD 0.00408; TOPMed 0.00469; ESP Exome Variant Server 0.00531.
gnomAD v4.1: 11,016 of 1,614,154 alleles (0.68%); highest among the groups gnomAD compares: Middle Eastern, 0.96%; 53 homozygotes.

Submissions (3):

CeGaT Center for Human Genetics Tuebingen
Classification: Likely benign. Last evaluated: 2022-11-01. Review status: criteria provided, single submitter. Criteria: CeGaT Center For Human Genetics Tuebingen Variant Classification Criteria Version 2. Collection method: clinical testing. Allele origin: germline. Affected: yes. Observed: 3 variant alleles.
Comment: TDRD6: BP4, BS2

Labcorp Genetics (formerly Invitae), Labcorp
Classification: Likely benign. Last evaluated: 2017-12-12. Review status: criteria provided, single submitter. Criteria: Invitae Variant Classification Sherloc (09022015). Collection method: clinical testing. Allele origin: germline.

Breakthrough Genomics
Classification: Likely benign. Review status: criteria provided, single submitter. Criteria: ACMG Guidelines, 2015. Collection method: not provided. Allele origin: germline. Inheritance: Unknown mechanism. Affected: yes.

NM_001010870.3(TDRD6):c.5614G>T (p.Val1872Leu)

Gene: TDRD6 (tudor domain containing 6; plus strand). Cytogenetic location: 6p12.3.
Variant type: single nucleotide variant.
Coding change: c.5614G>T on transcript NM_001010870.3 (MANE Select); coding-DNA position 5614, G replaced by T.
Protein change: p.Val1872Leu; replaces valine 1872 with leucine.
Molecular consequence: missense variant.
Genome position (GRCh38, 1-based): chr6:46,693,742, G>T. VCF-style: chr6-46693742-G-T. GRCh37 (hg19) VCF-style: chr6-46661479-G-T.
Other names: c.5614G>T, p.Val1872Leu (NM_001168359.2); short protein forms V1872L.
Identifiers: ClinVar variation 775078 (VCV000775078.28), dbSNP rs142413497, ClinGen allele CA3839836.
Genomic context (GRCh38, chr6:46,693,742, plus strand): 5'-GAATCTATTGAGTTACAGAATTCTCTGGTGGTGGATGAAGAAAAAGGGGAGCTAAGCCCG[G>T]TGCCACCGAATGTGCCACTCTCCCAAGAGTGTGTCACAAAAGGCGCCATGGAGCTATTTA-3'
Protein context (NP_001010870.1, residues 1862-1882): VDEEKGELSP[Val1872Leu]PPNVPLSQEC